The following is an entry in ClinVar:

ClinVar aggregate classification (germline): Uncertain significance (1 of 4 stars; one submission).

Conditions:
ALG8 congenital disorder of glycosylation. Also called: CDG Ih; ALG8-CDG; CONGENITAL DISORDER OF GLYCOSYLATION, TYPE Ih. Identifiers: Orphanet 79325, MedGen C2931002, MONDO:0011969, OMIM 608104.

Allele frequency attached by ClinVar (database versions not stated): TOPMed below 0.00001; gnomAD exomes 0.00001; ExAC 0.00003.
gnomAD v4.1: 3 of 1,608,128 alleles (0.00019%); highest among the groups gnomAD compares: Admixed American, 0.005%; no homozygotes.

Submission:

Labcorp Genetics (formerly Invitae), Labcorp
Classification: Uncertain significance for ALG8 congenital disorder of glycosylation. Last evaluated: 2022-07-06. Review status: criteria provided, single submitter. Criteria: Invitae Variant Classification Sherloc (09022015). Collection method: clinical testing. Allele origin: germline.
Comment: This sequence change falls in intron 4 of the ALG8 gene. It does not directly change the encoded amino acid sequence of the ALG8 protein. It affects a nucleotide within the consensus splice site. This variant is present in population databases (rs753257659, gnomAD 0.009%). This variant has not been reported in the literature in individuals affected with ALG8-related conditions. ClinVar contains an entry for this variant (Variation ID: 1524192). Variants that disrupt the consensus splice site are a relatively common cause of aberrant splicing (PMID: 17576681, 9536098). Algorithms developed to predict the effect of sequence changes on RNA splicing suggest that this variant is not likely to affect RNA splicing. In summary, the available evidence is currently insufficient to determine the role of this variant in disease. Therefore, it has been classified as a Variant of Uncertain Significance.

Literature cited by the submitters: PubMed 17576681; PubMed 9536098.

NM_024079.5(ALG8):c.479-3C>G

Gene: ALG8 (ALG8 alpha-1,3-glucosyltransferase; minus strand). Cytogenetic location: 11q14.1.
Variant type: single nucleotide variant.
Coding change: c.479-3C>G on transcript NM_024079.5 (MANE Select); 3 bases into the intron before coding-DNA position 479, C replaced by G.
Molecular consequence: intron variant.
Genome position (GRCh38, 1-based): chr11:78,119,252, G>C on the plus strand (C>G on the coding strand, the complement: ALG8 is on the minus strand). VCF-style: chr11-78119252-G-C. GRCh37 (hg19) VCF-style: chr11-77830298-G-C.
Other names: c.479-3C>G (NM_001007027.3).
Identifiers: ClinVar variation 1524192 (VCV001524192.3), dbSNP rs753257659, ClinGen allele CA6203454.